The following is an entry in ClinVar:

NM_001267550.2(TTN):c.20257A>T (p.Thr6753Ser)

Genes: TTN (titin; minus strand), LOC126806429 (BRD4-independent group 4 enhancer GRCh37_chr2:179591393-179592592; plus strand). Cytogenetic location: 2q31.2.
Variant type: single nucleotide variant.
Coding change: c.20257A>T on transcript NM_001267550.2 (MANE Select); coding-DNA position 20257, A replaced by T.
Protein change: p.Thr6753Ser; replaces threonine 6753 with serine.
Molecular consequence: missense variant. On other transcripts: intron variant (3).
Genome position (GRCh38, 1-based): chr2:178,727,108, T>A on the plus strand (A>T on the coding strand, the complement: TTN is on the minus strand). VCF-style: chr2-178727108-T-A. GRCh37 (hg19) VCF-style: chr2-179591835-T-A.
Other names: c.19306A>T, p.Thr6436Ser (NM_001256850.1); c.16525A>T, p.Thr5509Ser (NM_133378.4); c.13282+10974A>T (NM_003319.4); c.13858+10974A>T (NM_133437.4); c.13657+10974A>T (NM_133432.3); short protein forms T6436S, T5509S, T6753S.
Identifiers: ClinVar variation 4982059 (VCV004982059.1).

ClinVar aggregate classification (germline): Uncertain significance (1 of 4 stars; one submission).

Conditions:
TTN-related disorder. Also called: TTN-related disorders; TTN-related condition; TTN-related disease.

gnomAD v4.1: 5 of 1,587,746 alleles (0.00031%); highest among the groups gnomAD compares: African/African-American, 0.0013%; no homozygotes.

Submission:

PreventionGenetics, part of Exact Sciences
Classification: Uncertain significance for TTN-related condition. Last evaluated: 2025-06-19. Review status: criteria provided, single submitter. Criteria: ACMG Guidelines, 2015. Collection method: clinical testing. Allele origin: germline.
Comment: The TTN c.20257A>T variant is predicted to result in the amino acid substitution p.Thr6753Ser. To our knowledge, this variant has not been reported in the literature. This variant is reported in 0.011% of alleles in individuals of African descent in gnomAD. At this time, the clinical significance of this variant is uncertain due to the absence of conclusive functional and genetic evidence.